The following is an entry in ClinVar:

NM_000382.3(ALDH3A2):c.699dup (p.Tyr234fs)

Gene: ALDH3A2 (aldehyde dehydrogenase 3 family member A2; plus strand). Cytogenetic location: 17p11.2.
Variant type: Duplication.
Coding change: c.699dup on transcript NM_000382.3 (MANE Select); coding-DNA position 699, one base duplicated (A; older notation c.699dupA).
Protein change: p.Tyr234fs; shifts the reading frame from tyrosine 234.
Molecular consequence: frameshift variant.
Genome position (GRCh38, 1-based): chr17:19,657,763, A duplicated; the last of 4 consecutive A bases (chr17:19,657,760-19,657,763); duplicating any one gives the same sequence. VCF-style (leftmost placement, unchanged base first): chr17-19657759-G-GA. GRCh37 (hg19) VCF-style: chr17-19561072-G-GA.
Other names: c.699dup (NM_000382.2); c.699dup, p.Tyr234fs (NM_001031806.2, NM_001369136.1, NM_001369137.2 and 3 more transcripts); c.120dup, p.Tyr41fs (NM_001369148.2); short protein forms Y234fs, Y41fs.
Identifiers: ClinVar variation 1454705 (VCV001454705.9), dbSNP rs2152328735, ClinGen allele CA2573153150.

ClinVar aggregate classification (germline): Pathogenic/Likely pathogenic. Review status: criteria provided, multiple submitters, no conflicts (2 of 4 stars). 3 submissions from 3 submitters: Pathogenic (2); Likely pathogenic (1). Last evaluated 2026-03-02.

Conditions:
Sjögren-Larsson syndrome (SLS). Also called: FALDH DEFICIENCY; FATTY ALCOHOL:NAD+ OXIDOREDUCTASE DEFICIENCY; FATTY ALDEHYDE DEHYDROGENASE DEFICIENCY; ICHTHYOSIS, SPASTIC NEUROLOGIC DISORDER, AND OLIGOPHRENIA. Identifiers: Orphanet 816, MedGen C0037231, MONDO:0010031, OMIM 270200.

Submissions (3):

Myriad Genetics, Inc.
Classification: Pathogenic for Sjögren-Larsson syndrome. Last evaluated: 2026-03-02. Review status: criteria provided, single submitter. Criteria: Myriad Autosomal Dominant, Autosomal Recessive and X-Linked Classification Criteria (2023). Collection method: clinical testing. Allele origin: unknown.
Comment: NM_000382.2(ALDH3A2):c.699dupA(Y234Ifs*17) is a frameshift variant classified as pathogenic in the context of Sjogren-Larsson syndrome. Y234Ifs*17 has not been observed in cases with relevant disease. Relevant functional assessments of this variant are not available in the literature. Y234Ifs*17 has not been observed in referenced population frequency databases. In summary, NM_000382.2(ALDH3A2):c.699dupA(Y234Ifs*17) is a frameshift variant in a gene where loss of function is a known mechanism of disease and is predicted to disrupt protein function. Please note: this variant was assessed in the context of healthy population screening.

Natera, Inc.
Classification: Likely pathogenic for Sjögren-Larsson syndrome. Last evaluated: 2024-10-17. Review status: criteria provided, single submitter. Criteria: Natera Variant Classification Schema (03/2026). Collection method: clinical testing. Allele origin: germline.
Comment: The c.699dup variant in ALDH3A2 is a frameshift variant predicted to shift the reading frame beginning at codon 234 and leads to a stop codon 17 codons downstream. This variant is expected to result in nonsense mediated decay, truncation, or a dysfunctional protein product. This variant is rare in the general population with a frequency below the threshold expected for the associated phenotype(s). Given the available evidence, this variant is classified as Likely Pathogenic.

Labcorp Genetics (formerly Invitae), Labcorp
Classification: Pathogenic. Last evaluated: 2023-06-29. Review status: criteria provided, single submitter. Criteria: Invitae Variant Classification Sherloc (09022015). Collection method: clinical testing. Allele origin: germline.
Comment: This sequence change creates a premature translational stop signal (p.Tyr234Ilefs*17) in the ALDH3A2 gene. It is expected to result in an absent or disrupted protein product. Loss-of-function variants in ALDH3A2 are known to be pathogenic (PMID: 10577908, 10854114). For these reasons, this variant has been classified as Pathogenic. ClinVar contains an entry for this variant (Variation ID: 1454705). This variant has not been reported in the literature in individuals affected with ALDH3A2-related conditions. This variant is not present in population databases (gnomAD no frequency).

Literature cited by the submitters: PubMed 10577908 (cited by Labcorp Genetics (formerly Invitae), Labcorp); PubMed 10854114 (cited by Labcorp Genetics (formerly Invitae), Labcorp).